The following is an entry in ClinVar:

ClinVar aggregate classification (germline): Pathogenic (1 of 4 stars; one submission).

Conditions:
Propionic acidemia (PROP). Also called: GLYCINEMIA, KETOTIC; HYPERGLYCINEMIA WITH KETOACIDOSIS AND LEUKOPENIA; KETOTIC HYPERGLYCINEMIA. Identifiers: Orphanet 35, MedGen C0268579, MONDO:0011628, OMIM 606054, HP:0003571.

Submission:

Labcorp Genetics (formerly Invitae), Labcorp
Classification: Pathogenic for Propionic acidemia. Last evaluated: 2022-10-05. Review status: criteria provided, single submitter. Criteria: Invitae Variant Classification Sherloc (09022015). Collection method: clinical testing. Allele origin: germline.
Comment: This variant is a gross deletion of the genomic region encompassing exon(s) 5-6 of the PCCA gene. This variant would be expected to be in-frame, preserving the integrity of the reading frame. This variant has not been reported in the literature in individuals affected with PCCA-related conditions. This variant disrupts a region of the PCCA protein in which other variant(s) (p.Gly142Asp) have been determined to be pathogenic (PMID: 22156789, 30705822; Invitae). This suggests that this is a clinically significant region of the protein, and that variants that disrupt it are likely to be disease-causing. For these reasons, this variant has been classified as Pathogenic.

Literature cited by the submitters: PubMed 22156789; PubMed 30705822.

NC_000013.10:g.(?_100807223)_(100809604_?)del

Gene: PCCA (propionyl-CoA carboxylase subunit alpha; plus strand). Cytogenetic location: 13q32.3.
Variant type: Deletion.
Identifiers: ClinVar variation 1508479 (VCV001508479.6).